The following is an entry in ClinVar:

ClinVar aggregate classification (germline): Uncertain significance (1 of 4 stars; one submission).

Submission:

Labcorp Genetics (formerly Invitae), Labcorp
Classification: Uncertain significance. Last evaluated: 2022-08-06. Review status: criteria provided, single submitter. Criteria: Invitae Variant Classification Sherloc (09022015). Collection method: clinical testing. Allele origin: germline.
Comment: In summary, the available evidence is currently insufficient to determine the role of this variant in disease. Therefore, it has been classified as a Variant of Uncertain Significance. Algorithms developed to predict the effect of missense changes on protein structure and function (SIFT, PolyPhen-2, Align-GVGD) all suggest that this variant is likely to be tolerated. This variant has not been reported in the literature in individuals affected with PLOD2-related conditions. This variant is not present in population databases (gnomAD no frequency). This sequence change replaces lysine, which is basic and polar, with asparagine, which is neutral and polar, at codon 131 of the PLOD2 protein (p.Lys131Asn).

NM_182943.3(PLOD2):c.393G>T (p.Lys131Asn)

Genes: PLOD2 (procollagen-lysine,2-oxoglutarate 5-dioxygenase 2; minus strand), LOC129389144 (MPRA-validated peak4856 silencer; plus strand). Cytogenetic location: 3q24.
Variant type: single nucleotide variant.
Coding change: c.393G>T on transcript NM_182943.3 (MANE Select); coding-DNA position 393, G replaced by T.
Protein change: p.Lys131Asn; replaces lysine 131 with asparagine.
Molecular consequence: missense variant.
Genome position (GRCh38, 1-based): chr3:146,110,394, C>A on the plus strand (G>T on the coding strand, the complement: PLOD2 is on the minus strand). VCF-style: chr3-146110394-C-A. GRCh37 (hg19) VCF-style: chr3-145828181-C-A.
Other names: c.393G>T, p.Lys131Asn (NM_000935.3); short protein forms K131N.
Identifiers: ClinVar variation 1715008 (VCV001715008.6), dbSNP rs779374017, ClinGen allele CA354895687.